The following is an entry in ClinVar:

ClinVar aggregate classification (germline): Uncertain significance. Review status: criteria provided, multiple submitters, no conflicts (2 of 4 stars). 2 submissions from 2 submitters: Uncertain significance (2). Last evaluated 2025-02-21.

Conditions:
Inborn genetic diseases. Identifiers: MedGen C0950123, MeSH D030342.
Charcot-Marie-Tooth disease type 2. Also called: Charcot-Marie-Tooth type 2. Identifiers: Orphanet 64746, MedGen C0270914, MONDO:0018993.

Allele frequency attached by ClinVar (database versions not stated): gnomAD 0.00002.
gnomAD v4.1: 3 of 1,614,026 alleles (0.00019%); highest among the groups gnomAD compares: African/African-American, 0.004%; no homozygotes.

Submissions (2):

Ambry Genetics
Classification: Uncertain significance for Inborn genetic diseases. Last evaluated: 2025-02-21. Review status: criteria provided, single submitter. Criteria: Ambry Variant Classification Scheme 2023. Collection method: clinical testing. Allele origin: germline.

Labcorp Genetics (formerly Invitae), Labcorp
Classification: Uncertain significance for Charcot-Marie-Tooth disease type 2. Last evaluated: 2022-08-04. Review status: criteria provided, single submitter. Criteria: Invitae Variant Classification Sherloc (09022015). Collection method: clinical testing. Allele origin: germline.
Comment: This sequence change replaces glutamine, which is neutral and polar, with histidine, which is basic and polar, at codon 282 of the MED25 protein (p.Gln282His). This variant is present in population databases (rs762885909, gnomAD 0.01%). This variant has not been reported in the literature in individuals affected with MED25-related conditions. ClinVar contains an entry for this variant (Variation ID: 1480554). Algorithms developed to predict the effect of missense changes on protein structure and function (SIFT, PolyPhen-2, Align-GVGD) all suggest that this variant is likely to be tolerated. In summary, the available evidence is currently insufficient to determine the role of this variant in disease. Therefore, it has been classified as a Variant of Uncertain Significance.

NM_030973.4(MED25):c.846G>T (p.Gln282His)

Gene: MED25 (mediator complex subunit 25; plus strand). Cytogenetic location: 19q13.33.
Variant type: single nucleotide variant.
Coding change: c.846G>T on transcript NM_030973.4 (MANE Select); coding-DNA position 846, G replaced by T.
Protein change: p.Gln282His; replaces glutamine 282 with histidine.
Molecular consequence: missense variant.
Genome position (GRCh38, 1-based): chr19:49,830,537, G>T. VCF-style: chr19-49830537-G-T. GRCh37 (hg19) VCF-style: chr19-50333794-G-T.
Other names: c.846G>T (NM_030973.3); c.846G>T, p.Gln282His (NM_001378355.1); short protein forms Q282H.
Identifiers: ClinVar variation 1480554 (VCV001480554.6), dbSNP rs762885909, ClinGen allele CA9585053.
Genomic context (GRCh38, chr19:49,830,537, plus strand): 5'-ACCAGTCCCTTCCCTTCTTCCCTTCTACCCACAGGTTCCCGGGAACCTGAGTGCAGCTCA[G>T]GTGGCCGCGCAGAATGCAGTGGAGGCTGCCAAGAACCAGAAGGCTGGGCTGGGCCCTCGC-3'
Protein context (NP_112235.2, residues 272-292): YQVPGNLSAA[Gln282His]VAAQNAVEAA